The following is an entry in ClinVar:

NM_015214.3(DDHD2):c.1009A>C (p.Arg337=)

Gene: DDHD2 (DDHD domain containing 2; plus strand). Cytogenetic location: 8p11.23.
Variant type: single nucleotide variant.
Coding change: c.1009A>C on transcript NM_015214.3 (MANE Select); coding-DNA position 1009, A replaced by C.
Protein change: p.Arg337=; no amino-acid change (arginine 337 retained).
Molecular consequence: synonymous variant. On other transcripts: non-coding transcript variant (2).
Genome position (GRCh38, 1-based): chr8:38,245,902, A>C. VCF-style: chr8-38245902-A-C. GRCh37 (hg19) VCF-style: chr8-38103420-A-C.
Other names: c.1009A>C, p.Arg337= (NM_001164232.2, NM_001362911.2, NM_001362912.2 and 1 more transcripts); c.919A>C, p.Arg307= (NM_001362913.2).
Identifiers: ClinVar variation 381854 (VCV000381854.16), dbSNP rs778628163, ClinGen allele CA4716134.

ClinVar aggregate classification (germline): Conflicting classifications of pathogenicity. Review status: criteria provided, conflicting classifications (1 of 4 stars). 5 submissions from 5 submitters: Uncertain significance (2); Likely benign (3). Last evaluated 2026-08-20.

Conditions:
DDHD2-related disorder. Also called: DDHD2-related condition.
Hereditary spastic paraplegia. Also called: Familial spastic paraparesis. Identifiers: Orphanet 685, MedGen C0037773, MONDO:0019064. Disease mechanism: loss of function.
Hereditary spastic paraplegia 54. Also called: Spastic paraplegia 54, autosomal recessive. Identifiers: Orphanet 320380, MedGen C3539495, MONDO:0014018, OMIM 615033.

Allele frequency attached by ClinVar (database versions not stated): TOPMed 0.00002; gnomAD 0.00003; ExAC 0.00005; gnomAD exomes 0.00006 and 0.00009.
gnomAD v4.1: 146 of 1,613,952 alleles (0.009%); highest among the groups gnomAD compares: Non-Finnish European, 0.011%; no homozygotes.

Submissions (5):

PreventionGenetics, part of Exact Sciences
Classification: Likely benign for DDHD2-related condition. Last evaluated: 2026-08-20. Review status: criteria provided, single submitter. Criteria: ACMG Guidelines, 2015. Collection method: clinical testing. Allele origin: germline.
Comment: This variant is classified as likely benign based on ACMG/AMP sequence variant interpretation guidelines (Richards et al. 2015 PMID: 25741868, with internal and published modifications).

Labcorp Genetics (formerly Invitae), Labcorp
Classification: Likely benign for Hereditary spastic paraplegia 54. Last evaluated: 2024-10-31. Review status: criteria provided, single submitter. Criteria: Invitae Variant Classification Sherloc (09022015). Collection method: clinical testing. Allele origin: germline.

Genetic Services Laboratory, University of Chicago
Classification: Uncertain significance. Last evaluated: 2019-09-24. Review status: criteria provided, single submitter. Criteria: ACMG Guidelines, 2015. Collection method: clinical testing. Allele origin: germline. Affected: no.

Genome Diagnostics Laboratory, The Hospital for Sick Children
Classification: Uncertain significance for Hereditary spastic paraplegia. Last evaluated: 2017-06-22. Review status: criteria provided, single submitter. Criteria: ACMG Guidelines, 2015. Collection method: clinical testing. Allele origin: germline. Affected: yes.

GeneDx
Classification: Likely benign. Last evaluated: 2016-01-20. Review status: criteria provided, single submitter. Criteria: GeneDx Variant Classification (06012015). Collection method: clinical testing. Allele origin: germline. Affected: yes.
Comment: This variant is considered likely benign or benign based on one or more of the following criteria: it is a conservative change, it occurs at a poorly conserved position in the protein, it is predicted to be benign by multiple in silico algorithms, and/or has population frequency not consistent with disease.